The following is an entry in ClinVar:

ClinVar aggregate classification (germline): Uncertain significance (1 of 4 stars; one submission).

gnomAD v4.1: 1 of 1,611,522 alleles (0.000062%); highest among the groups gnomAD compares: African/African-American, 0.0013%; no homozygotes.

Submission:

Ambry Genetics
Classification: Uncertain significance. Last evaluated: 2026-02-26. Review status: criteria provided, single submitter. Criteria: Ambry Variant Classification Scheme 2023. Collection method: clinical testing. Allele origin: germline.
Comment: The c.554C>T (p.P185L) alteration is located in exon 7 (coding exon 7) of the ABCD3 gene. This alteration results from a C to T substitution at nucleotide position 554, causing the proline (P) at amino acid position 185 to be replaced by a leucine (L). Based on data from gnomAD, the T allele has an overall frequency of 0.003% (1/31376) total alleles studied. The highest observed frequency was 0.012% (1/8718) of African alleles. Based on insufficient or conflicting evidence, the clinical significance of this alteration remains unclear.

NM_002858.4(ABCD3):c.554C>T (p.Pro185Leu)

Gene: ABCD3 (ATP binding cassette subfamily D member 3; plus strand). Cytogenetic location: 1p21.3.
Variant type: single nucleotide variant.
Coding change: c.554C>T on transcript NM_002858.4 (MANE Select); coding-DNA position 554, C replaced by T.
Protein change: p.Pro185Leu; replaces proline 185 with leucine.
Molecular consequence: missense variant.
Genome position (GRCh38, 1-based): chr1:94,475,664, C>T. VCF-style: chr1-94475664-C-T. GRCh37 (hg19) VCF-style: chr1-94941220-C-T.
Other names: c.554C>T, p.Pro185Leu (NM_001122674.2); short protein forms P185L.
Identifiers: ClinVar variation 4840542 (VCV004840542.1).
Genomic context (GRCh38, chr1:94,475,664, plus strand): 5'-GCTATTTTAGAGCTTTCACATATTATAAAATGGGGAATCTGGACAACAGAATAGCTAATC[C>T]AGACCAGCTGCTTACACAAGATGTAGAAAAATTTTGTAACAGTGTAGTCGATCTGTATTC-3'
Protein context (NP_002849.1, residues 175-195): MGNLDNRIAN[Pro185Leu]DQLLTQDVEK